The following is an entry in ClinVar:

ClinVar aggregate classification (germline): Uncertain significance (1 of 4 stars; one submission).

Conditions:
Inborn genetic diseases. Identifiers: MedGen C0950123, MeSH D030342.

Submission:

Ambry Genetics
Classification: Uncertain significance for Inborn genetic diseases. Last evaluated: 2026-07-10. Review status: criteria provided, single submitter. Criteria: Ambry Variant Classification Scheme 2023. Collection method: clinical testing. Allele origin: germline.
Comment: The p.N1036I variant (also known as c.3107A>T), located in coding exon 13 of the ASXL1 gene, results from an A to T substitution at nucleotide position 3107. The asparagine at codon 1036 is replaced by isoleucine, an amino acid with dissimilar properties. This amino acid position is conserved. In addition, this alteration is predicted to be tolerated by in silico analysis. Based on the available evidence, the clinical significance of this variant remains unclear.

NM_015338.6(ASXL1):c.3107A>T (p.Asn1036Ile)

Gene: ASXL1 (ASXL transcriptional regulator 1; plus strand). Cytogenetic location: 20q11.21.
Variant type: single nucleotide variant.
Coding change: c.3107A>T on transcript NM_015338.6 (MANE Select); coding-DNA position 3107, A replaced by T.
Protein change: p.Asn1036Ile; replaces asparagine 1036 with isoleucine.
Molecular consequence: missense variant.
Genome position (GRCh38, 1-based): chr20:32,435,819, A>T. VCF-style: chr20-32435819-A-T. GRCh37 (hg19) VCF-style: chr20-31023622-A-T.
Other names: c.2924A>T, p.Asn975Ile (NM_001363734.1); short protein forms N1036I, N975I.
Identifiers: ClinVar variation 5029858 (VCV005029858.1).